The following is an entry in ClinVar:

NM_032043.3(BRIP1):c.1791del (p.Val598fs)

Gene: BRIP1 (BRCA1 interacting DNA helicase 1; minus strand). Cytogenetic location: 17q23.2.
Variant type: Deletion.
Coding change: c.1791del on transcript NM_032043.3 (MANE Select); coding-DNA position 1791, one base deleted (T; older notation c.1791delT).
Protein change: p.Val598fs; shifts the reading frame from valine 598.
Molecular consequence: frameshift variant.
Genome position (GRCh38, 1-based): chr17:61,780,843, A deleted on the plus strand (T on the coding strand, the reverse complement: BRIP1 is on the minus strand). VCF-style (leftmost placement, unchanged base first): chr17-61780842-CA-C. GRCh37 (hg19) VCF-style: chr17-59858203-CA-C.
Other names: c.1791delT (NM_032043.2); short protein forms V598fs.
Identifiers: ClinVar variation 574228 (VCV000574228.10), dbSNP rs1567813223, ClinGen allele CA891843520.

ClinVar aggregate classification (germline): Pathogenic. Review status: criteria provided, multiple submitters, no conflicts (2 of 4 stars). 3 submissions from 3 submitters: Pathogenic (3). Last evaluated 2025-12-17.

Conditions:
Hereditary cancer-predisposing syndrome. Also called: Neoplastic Syndromes, Hereditary; Hereditary neoplastic syndrome; Tumor predisposition; Hereditary Cancer Syndrome. Identifiers: Orphanet 140162, MedGen C0027672, MeSH D009386, MONDO:0015356.
Familial cancer of breast. Also called: Hereditary breast cancer; BREAST CANCER, FAMILIAL; hereditary breast carcinoma. Identifiers: Orphanet 227535, MedGen C0346153, MONDO:0016419, OMIM 114480. Disease mechanism: loss of function.
Fanconi anemia complementation group J. Also called: BRIP1-Related Fanconi Anemia. Identifiers: Orphanet 84, MedGen C1836860, MONDO:0012187, OMIM 609054.

Submissions (3):

Ambry Genetics
Classification: Pathogenic for Hereditary cancer-predisposing syndrome. Last evaluated: 2025-12-17. Review status: criteria provided, single submitter. Criteria: Ambry Variant Classification Scheme 2023. Collection method: clinical testing. Allele origin: germline.
Comment: The c.1791delT pathogenic mutation, located in coding exon 11 of the BRIP1 gene, results from a deletion of one nucleotide at nucleotide position 1791, causing a translational frameshift with a predicted alternate stop codon (p.V598Wfs*15). This variant is considered to be rare based on population cohorts in the Genome Aggregation Database (gnomAD). This alteration is expected to result in loss of function by premature protein truncation or nonsense-mediated mRNA decay. As such, this alteration is interpreted as a disease-causing mutation.

Myriad Genetics, Inc.
Classification: Pathogenic for Familial cancer of breast. Last evaluated: 2023-06-05. Review status: criteria provided, single submitter. Criteria: Myriad Autosomal Dominant, Autosomal Recessive and X-Linked Classification Criteria (2023). Collection method: clinical testing. Allele origin: unknown.
Comment: This variant is considered pathogenic. This variant creates a frameshift predicted to result in premature protein truncation.

Labcorp Genetics (formerly Invitae), Labcorp
Classification: Pathogenic for Familial cancer of breast; Fanconi anemia complementation group J. Last evaluated: 2018-03-24. Review status: criteria provided, single submitter. Criteria: Invitae Variant Classification Sherloc (09022015). Collection method: clinical testing. Allele origin: germline.
Comment: For these reasons, this variant has been classified as Pathogenic. Loss-of-function variants in BRIP1 are known to be pathogenic (PMID: 16116423, 17033622, 21964575). This variant has not been reported in the literature in individuals with BRIP1-related disease. This variant is not present in population databases (ExAC no frequency). This sequence change creates a premature translational stop signal (p.Val598Trpfs*15) in the BRIP1 gene. It is expected to result in an absent or disrupted protein product.

Literature cited by the submitters: PubMed 16116423 (cited by Labcorp Genetics (formerly Invitae), Labcorp); PubMed 17033622 (cited by Labcorp Genetics (formerly Invitae), Labcorp); PubMed 21964575 (cited by Labcorp Genetics (formerly Invitae), Labcorp).